The following is an entry in ClinVar:

NM_001943.5(DSG2):c.2139G>C (p.Glu713Asp)

Genes: DSG2-AS1 (DSG2 antisense RNA 1; minus strand), DSG2 (desmoglein 2; plus strand). Cytogenetic location: 18q12.1.
Variant type: single nucleotide variant.
Coding change: c.2139G>C on transcript NM_001943.5 (MANE Select); coding-DNA position 2139, G replaced by C.
Protein change: p.Glu713Asp; replaces glutamic acid 713 with aspartic acid.
Molecular consequence: missense variant.
Genome position (GRCh38, 1-based): chr18:31,542,657, G>C. VCF-style: chr18-31542657-G-C. GRCh37 (hg19) VCF-style: chr18-29122620-G-C.
Other names: short protein forms E713D.
Identifiers: ClinVar variation 1720870 (VCV001720870.6), dbSNP rs2510920702, ClinGen allele CA402142033.

ClinVar aggregate classification (germline): Uncertain significance. Review status: criteria provided, multiple submitters, no conflicts (2 of 4 stars). 2 submissions from 2 submitters: Uncertain significance (2). Last evaluated 2024-02-06.

Conditions:
Arrhythmogenic right ventricular dysplasia 10. Also called: Arrhythmogenic Right Ventricular Dysplasia/Cardiomyopathy10; Arrhythmogenic right ventricular dysplasia/cardiomyopathy, type 10; ARRHYTHMOGENIC RIGHT VENTRICULAR DYSPLASIA, FAMILIAL, 10. Identifiers: MedGen C1857777, MONDO:0012434, OMIM 610193.
Cardiovascular phenotype. Identifiers: MedGen CN230736.

Submissions (2):

Ambry Genetics
Classification: Uncertain significance for Cardiovascular phenotype. Last evaluated: 2024-02-06. Review status: criteria provided, single submitter. Criteria: Ambry Variant Classification Scheme 2023. Collection method: clinical testing. Allele origin: germline.
Comment: The p.E713D variant (also known as c.2139G>C), located in coding exon 14 of the DSG2 gene, results from a G to C substitution at nucleotide position 2139. The glutamic acid at codon 713 is replaced by aspartic acid, an amino acid with highly similar properties. This amino acid position is conserved. In addition, this alteration is predicted to be tolerated by in silico analysis. Based on the available evidence, the clinical significance of this alteration remains unclear.

Labcorp Genetics (formerly Invitae), Labcorp
Classification: Uncertain significance for Arrhythmogenic right ventricular dysplasia 10. Last evaluated: 2022-10-03. Review status: criteria provided, single submitter. Criteria: Invitae Variant Classification Sherloc (09022015). Collection method: clinical testing. Allele origin: germline.
Comment: In summary, the available evidence is currently insufficient to determine the role of this variant in disease. Therefore, it has been classified as a Variant of Uncertain Significance. Advanced modeling of protein sequence and biophysical properties (such as structural, functional, and spatial information, amino acid conservation, physicochemical variation, residue mobility, and thermodynamic stability) performed at Invitae indicates that this missense variant is not expected to disrupt DSG2 protein function. This variant has not been reported in the literature in individuals affected with DSG2-related conditions. This variant is not present in population databases (gnomAD no frequency). This sequence change replaces glutamic acid, which is acidic and polar, with aspartic acid, which is acidic and polar, at codon 713 of the DSG2 protein (p.Glu713Asp).